The following is an entry in ClinVar:

NM_000032.5(ALAS2):c.488G>A (p.Arg163His)

Gene: ALAS2 (5'-aminolevulinate synthase 2; minus strand). Cytogenetic location: Xp11.21.
Variant type: single nucleotide variant.
Coding change: c.488G>A on transcript NM_000032.5 (MANE Select); coding-DNA position 488, G replaced by A.
Protein change: p.Arg163His; replaces arginine 163 with histidine.
Molecular consequence: missense variant.
Genome position (GRCh38, 1-based): chrX:55,021,202, C>T on the plus strand (G>A on the coding strand, the complement: ALAS2 is on the minus strand). VCF-style: chrX-55021202-C-T. GRCh37 (hg19) VCF-style: chrX-55047635-C-T.
Other names: c.377G>A, p.Arg126His (NM_001037967.4); c.449G>A, p.Arg150His (NM_001037968.4); short protein forms R126H, R150H, R163H.
Identifiers: ClinVar variation 1065640 (VCV001065640.7), dbSNP rs2146722839, ClinGen allele CA413295690.

ClinVar aggregate classification (germline): Conflicting classifications of pathogenicity. Review status: criteria provided, conflicting classifications (1 of 4 stars). 3 submissions from 3 submitters: Pathogenic (1); Likely pathogenic (1); Uncertain significance (1). Last evaluated 2025-11-10.

Conditions:
X-linked sideroblastic anemia 1. Also called: Erythroid 5-aminolevulinate synthase deficiency; X chromosome-linked sideroblastic anemia; Anemia, hereditary sideroblastic 1, pyridoxine refractory; Anemia, sideroblastic, 1; X-linked pyridoxine-refractory sideroblastic anemia; ANEMIA, SIDEROBLASTIC, 1, PYRIDOXINE REFRACTORY. Identifiers: Orphanet 75563, MedGen C4551511, MONDO:0020721, OMIM 300751. Disease mechanism: loss of function.

Submissions (3):

Labcorp Genetics (formerly Invitae), Labcorp
Classification: Uncertain significance. Last evaluated: 2025-11-10. Review status: criteria provided, single submitter. Criteria: Invitae Variant Classification Sherloc (09022015). Collection method: clinical testing. Allele origin: germline.
Comment: This sequence change replaces arginine, which is basic and polar, with histidine, which is basic and polar, at codon 163 of the ALAS2 protein (p.Arg163His). This variant is not present in population databases (gnomAD no frequency). This missense change has been observed in individual(s) with X-linked sideroblastic anaemia (PMID: 28840292, 34930268). ClinVar contains an entry for this variant (Variation ID: 1065640). Invitae Evidence Modeling of protein sequence and biophysical properties (such as structural, functional, and spatial information, amino acid conservation, physicochemical variation, residue mobility, and thermodynamic stability) has been performed for this missense variant. However, the output from this modeling did not meet the statistical confidence thresholds required to predict the impact of this variant on ALAS2 protein function. Experimental studies have shown that this missense change affects ALAS2 function (PMID: 28840292). In summary, the available evidence is currently insufficient to determine the role of this variant in disease. Therefore, it has been classified as a Variant of Uncertain Significance.

Revvity Omics, Revvity
Classification: Likely pathogenic. Last evaluated: 2023-03-28. Review status: criteria provided, single submitter. Criteria: ACMG Guidelines, 2015. Collection method: clinical testing. Allele origin: germline.

Molecular Pathology Laboratory, Viapath at King's College Hospital
Classification: Pathogenic for X-linked sideroblastic anemia 1. Last evaluated: 2020-12-16. Review status: criteria provided, single submitter. Criteria: ACMG Guidelines, 2015. Collection method: clinical testing. Allele origin: germline. Inheritance: X-linked inheritance. Affected: yes. Observed: 1 variant allele, 1 heterozygote.
Comment: Missense variant of a conserved amino acid, low grantham distance (29), in a protein domain, 2/3 missense prediction tools suggest pathogenic, loss of a weak cryptic donor site call in 3/4 callers. - PS3

Literature cited by the submitters: PubMed 28840292 (cited by Labcorp Genetics (formerly Invitae), Labcorp and Molecular Pathology Laboratory, Viapath at King's College Hospital); PubMed 34930268 (cited by Labcorp Genetics (formerly Invitae), Labcorp).